The following is an entry in ClinVar:

ClinVar aggregate classification (germline): Likely benign (1 of 4 stars; one submission).

Conditions:
DST-related disorder. Also called: DST-related disorders; DST-related condition.

gnomAD v4.1: 11 of 1,471,554 alleles (0.00075%); highest among the groups gnomAD compares: Non-Finnish European, 0.001%; no homozygotes.

Submission:

PreventionGenetics, part of Exact Sciences
Classification: Likely benign for DST-related condition. Last evaluated: 2026-02-19. Review status: criteria provided, single submitter. Criteria: ACMG Guidelines, 2015. Collection method: clinical testing. Allele origin: germline.
Comment: This variant is classified as likely benign based on ACMG/AMP sequence variant interpretation guidelines (Richards et al. 2015 PMID: 25741868, with internal and published modifications).

NM_001374736.1(DST):c.625+8349G>C

Gene: DST (dystonin; minus strand). Cytogenetic location: 6p12.1.
Variant type: single nucleotide variant.
Coding change: c.625+8349G>C on transcript NM_001374736.1 (MANE Select); 8349 bases into the intron after coding-DNA position 625, G replaced by C.
Molecular consequence: intron variant.
Genome position (GRCh38, 1-based): chr6:56,843,048, C>G on the plus strand (G>C on the coding strand, the complement: DST is on the minus strand). VCF-style: chr6-56843048-C-G. GRCh37 (hg19) VCF-style: chr6-56707846-C-G.
Other names: c.625+8349G>C (NM_001144769.5, NM_001374722.1); c.652+8349G>C (NM_001374734.1); c.211+8349G>C (NM_001144770.2); c.91+7G>C (NM_001374730.1, NM_001386100.1, NM_183380.4 and 1 more transcripts).
Identifiers: ClinVar variation 4990097 (VCV004990097.1).